The following is an entry in ClinVar:

ClinVar aggregate classification (germline): Uncertain significance. Review status: criteria provided, multiple submitters, no conflicts (2 of 4 stars). 3 submissions from 3 submitters: Uncertain significance (3). Last evaluated 2024-02-11.

Conditions:
Hereditary cancer-predisposing syndrome. Also called: Tumor predisposition; Neoplastic Syndromes, Hereditary; Hereditary neoplastic syndrome; Hereditary Cancer Syndrome. Identifiers: Orphanet 140162, MedGen C0027672, MeSH D009386, MONDO:0015356.
Familial adenomatous polyposis 1 (FAP1). Also called: POLYPOSIS, ADENOMATOUS INTESTINAL; FAMILIAL ADENOMATOUS POLYPOSIS 1, ATTENUATED. Identifiers: MedGen C2713442, MONDO:0021056, OMIM 175100. Disease mechanism: loss of function.

Submissions (3):

Labcorp Genetics (formerly Invitae), Labcorp
Classification: Uncertain significance for Familial adenomatous polyposis 1. Last evaluated: 2024-02-11. Review status: criteria provided, single submitter. Criteria: Invitae Variant Classification Sherloc (09022015). Collection method: clinical testing. Allele origin: germline.
Comment: This sequence change replaces threonine, which is neutral and polar, with serine, which is neutral and polar, at codon 1932 of the APC protein (p.Thr1932Ser). This variant is not present in population databases (gnomAD no frequency). This variant has not been reported in the literature in individuals affected with APC-related conditions. ClinVar contains an entry for this variant (Variation ID: 630647). Advanced modeling of protein sequence and biophysical properties (such as structural, functional, and spatial information, amino acid conservation, physicochemical variation, residue mobility, and thermodynamic stability) performed at Invitae indicates that this missense variant is not expected to disrupt APC protein function with a negative predictive value of 95%. In summary, the available evidence is currently insufficient to determine the role of this variant in disease. Therefore, it has been classified as a Variant of Uncertain Significance.

Color Diagnostics, LLC DBA Color Health
Classification: Uncertain significance for Hereditary cancer-predisposing syndrome. Last evaluated: 2023-12-05. Review status: criteria provided, single submitter. Criteria: ACMG Guidelines, 2015. Collection method: clinical testing. Allele origin: germline.
Comment: This missense variant replaces threonine with serine at codon 1932 of the APC protein. Computational prediction suggests that this variant may not impact protein structure and function (internally defined REVEL score threshold <= 0.5, PMID: 27666373). To our knowledge, functional studies have not been reported for this variant. This variant has not been reported in individuals affected with APC-related disorders in the literature. This variant has not been identified in the general population by the Genome Aggregation Database (gnomAD). The available evidence is insufficient to determine the role of this variant in disease conclusively. Therefore, this variant is classified as a Variant of Uncertain Significance.

Ambry Genetics
Classification: Uncertain significance for Hereditary cancer-predisposing syndrome. Last evaluated: 2023-08-31. Review status: criteria provided, single submitter. Criteria: Ambry Variant Classification Scheme 2023. Collection method: clinical testing. Allele origin: germline.
Comment: The p.T1932S variant (also known as c.5795C>G), located in coding exon 15 of the APC gene, results from a C to G substitution at nucleotide position 5795. The threonine at codon 1932 is replaced by serine, an amino acid with similar properties. This amino acid position is well conserved in available vertebrate species. In addition, in silico predictors for this gene do not accurately predict pathogenicity. Since supporting evidence is limited at this time, the clinical significance of this alteration remains unclear.

NM_000038.6(APC):c.5795C>G (p.Thr1932Ser)

Gene: APC (APC regulator of Wnt signaling pathway; plus strand). Cytogenetic location: 5q22.2.
Variant type: single nucleotide variant.
Coding change: c.5795C>G on transcript NM_000038.6 (MANE Select); coding-DNA position 5795, C replaced by G.
Protein change: p.Thr1932Ser; replaces threonine 1932 with serine.
Molecular consequence: missense variant.
Genome position (GRCh38, 1-based): chr5:112,841,389, C>G. VCF-style: chr5-112841389-C-G. GRCh37 (hg19) VCF-style: chr5-112177086-C-G.
Other names: c.5825C>G, p.Thr1942Ser (NM_001354897.2); c.5618C>G, p.Thr1873Ser (NM_001354901.2); c.5522C>G, p.Thr1841Ser (NM_001354902.2); c.5417C>G, p.Thr1806Ser (NM_001354904.2); c.5720C>G, p.Thr1907Ser (NM_001354898.2); c.5711C>G, p.Thr1904Ser (NM_001354899.2); c.5672C>G, p.Thr1891Ser (NM_001354900.2); c.5492C>G, p.Thr1831Ser (NM_001354903.2); and 5 more; short protein forms T1932S, T1914S, T1649S, T1841S, T1904S, T1950S, T1772S, T1806S.
Identifiers: ClinVar variation 630647 (VCV000630647.10), dbSNP rs876660658, ClinGen allele CA16034011.